The following is an entry in ClinVar:

ClinVar aggregate classification (germline): Conflicting classifications of pathogenicity. Review status: criteria provided, conflicting classifications (1 of 4 stars). 4 submissions from 4 submitters: Pathogenic (2); Likely pathogenic (1); Uncertain significance (1). Last evaluated 2023-06-15.

Conditions:
Rare genetic deafness. Identifiers: Orphanet 96210, MedGen C5680250.

Allele frequency attached by ClinVar (database versions not stated): gnomAD exomes 0.00002; TOPMed 0.00003; gnomAD 0.00010.
gnomAD v4.1: 42 of 1,550,448 alleles (0.0027%); highest among the groups gnomAD compares: Non-Finnish European, 0.0034%; no homozygotes.

Submissions (4):

Labcorp Genetics (formerly Invitae), Labcorp
Classification: Pathogenic. Last evaluated: 2023-06-15. Review status: criteria provided, single submitter. Criteria: Invitae Variant Classification Sherloc (09022015). Collection method: clinical testing. Allele origin: germline.
Comment: ClinVar contains an entry for this variant (Variation ID: 623765). For these reasons, this variant has been classified as Pathogenic. This variant has not been reported in the literature in individuals affected with OTOG-related conditions. This variant is present in population databases (no rsID available, gnomAD 0.02%). This sequence change creates a premature translational stop signal (p.Gly1674*) in the OTOG gene. It is expected to result in an absent or disrupted protein product. Loss-of-function variants in OTOG are known to be pathogenic (PMID: 23122587).

GeneDx
Classification: Uncertain significance. Last evaluated: 2022-02-25. Review status: criteria provided, single submitter. Criteria: GeneDx Variant Classification Process June 2021. Collection method: clinical testing. Allele origin: germline. Affected: yes.
Comment: Nonsense variant predicted to result in protein truncation or nonsense mediated decay in a gene for which loss-of-function is a known mechanism of disease; Has not been previously published as pathogenic or benign to our knowledge

Laboratory for Molecular Medicine, Mass General Brigham Personalized Medicine
Classification: Pathogenic for Rare genetic deafness. Last evaluated: 2019-07-16. Review status: criteria provided, single submitter. Criteria: LMM Criteria. Collection method: clinical testing. Allele origin: germline. Inheritance: Autosomal recessive inheritance. Observed: 4 variant alleles.
Comment: The p.Gly1674X variant has also been reported by other clinical laboratories in ClinVar (Variation ID 623765) and has been identified in 0.02% (14/70668) of European chromosomes by gnomAD. This nonsense variant leads to a premature termination codon at position 1647, which is predicted to lead to a truncated or absent protein. Loss of function of the OTOG gene is an established disease mechanism in autosomal recessive hearing loss. In summary, this variant meets criteria to be classified as pathogenic for autosomal recessive hearing loss. ACMG/AMP Criteria applied: PVS1, PM3, PM2_Supporting, PP1.

CeGaT Center for Human Genetics Tuebingen
Classification: Likely pathogenic. Last evaluated: 2018-08-01. Review status: criteria provided, single submitter. Criteria: CeGaT Center For Human Genetics Tuebingen Variant Classification Criteria Version 2. Collection method: clinical testing. Allele origin: germline. Affected: yes. Observed: 4 variant alleles.

Literature cited by the submitters: PubMed 23122587 (cited by Labcorp Genetics (formerly Invitae), Labcorp).

NM_001292063.2(OTOG):c.4984G>T (p.Gly1662Ter)

Gene: OTOG (otogelin; plus strand). Cytogenetic location: 11p15.1.
Variant type: single nucleotide variant.
Coding change: c.4984G>T on transcript NM_001292063.2 (MANE Select); coding-DNA position 4984, G replaced by T.
Protein change: p.Gly1662Ter; replaces glycine 1662 with a stop codon.
Molecular consequence: nonsense.
Genome position (GRCh38, 1-based): chr11:17,610,284, G>T. VCF-style: chr11-17610284-G-T. GRCh37 (hg19) VCF-style: chr11-17631831-G-T.
Other names: NM_001277269.1:c.5020G>T; p.Gly1674X; c.5020G>T, p.Gly1674Ter (NM_001277269.2); short protein forms G1674*, G1662*.
Identifiers: ClinVar variation 623765 (VCV000623765.53), dbSNP rs1407028917, ClinGen allele CA379797163.